The following is an entry in ClinVar:

NM_004260.4(RECQL4):c.1538A>G (p.Gln513Arg)

Gene: RECQL4 (RecQ like helicase 4; minus strand). Cytogenetic location: 8q24.3.
Variant type: single nucleotide variant.
Coding change: c.1538A>G on transcript NM_004260.4 (MANE Select); coding-DNA position 1538, A replaced by G.
Protein change: p.Gln513Arg; replaces glutamine 513 with arginine.
Molecular consequence: missense variant.
Genome position (GRCh38, 1-based): chr8:144,515,018, T>C on the plus strand (A>G on the coding strand, the complement: RECQL4 is on the minus strand). VCF-style: chr8-144515018-T-C. GRCh37 (hg19) VCF-style: chr8-145740402-T-C.
Other names: short protein forms Q513R.
Identifiers: ClinVar variation 459332 (VCV000459332.9), dbSNP rs759124032, ClinGen allele CA4948813.

ClinVar aggregate classification (germline): Conflicting classifications of pathogenicity. Review status: criteria provided, conflicting classifications (1 of 4 stars). 3 submissions from 3 submitters: Uncertain significance (2); Likely benign (1). Last evaluated 2024-11-20.

Conditions:
Inborn genetic diseases. Identifiers: MedGen C0950123, MeSH D030342.
Baller-Gerold syndrome (BGS). Also called: CRANIOSYNOSTOSIS WITH RADIAL DEFECTS. Identifiers: Orphanet 1225, MedGen C0265308, MONDO:0009039, OMIM 218600.

Allele frequency attached by ClinVar (database versions not stated): gnomAD 0.00001; gnomAD exomes 0.00007 and 0.00014; TOPMed 0.00009; ExAC 0.00013.
gnomAD v4.1: 40 of 1,610,748 alleles (0.0025%); highest among the groups gnomAD compares: Admixed American, 0.067%; no homozygotes.

Submissions (3):

Ambry Genetics
Classification: Likely benign for Inborn genetic diseases. Last evaluated: 2024-11-20. Review status: criteria provided, single submitter. Criteria: Ambry Variant Classification Scheme 2023. Collection method: clinical testing. Allele origin: germline.

Labcorp Genetics (formerly Invitae), Labcorp
Classification: Uncertain significance for Baller-Gerold syndrome. Last evaluated: 2022-10-24. Review status: criteria provided, single submitter. Criteria: Invitae Variant Classification Sherloc (09022015). Collection method: clinical testing. Allele origin: germline.
Comment: This sequence change replaces glutamine, which is neutral and polar, with arginine, which is basic and polar, at codon 513 of the RECQL4 protein (p.Gln513Arg). This variant is present in population databases (rs759124032, gnomAD 0.1%). This variant has not been reported in the literature in individuals affected with RECQL4-related conditions. ClinVar contains an entry for this variant (Variation ID: 459332). Advanced modeling of protein sequence and biophysical properties (such as structural, functional, and spatial information, amino acid conservation, physicochemical variation, residue mobility, and thermodynamic stability) performed at Invitae indicates that this missense variant is expected to disrupt RECQL4 protein function. In summary, the available evidence is currently insufficient to determine the role of this variant in disease. Therefore, it has been classified as a Variant of Uncertain Significance.

Revvity Omics, Revvity
Classification: Uncertain significance. Last evaluated: 2020-03-31. Review status: criteria provided, single submitter. Criteria: ACMG Guidelines, 2015. Collection method: clinical testing. Allele origin: germline.